The following is an entry in ClinVar:

ClinVar aggregate classification (germline): Uncertain significance (1 of 4 stars; one submission).

Conditions:
Hereditary cancer-predisposing syndrome. Also called: Neoplastic Syndromes, Hereditary; Tumor predisposition; Hereditary neoplastic syndrome; Hereditary Cancer Syndrome. Identifiers: Orphanet 140162, MedGen C0027672, MeSH D009386, MONDO:0015356.

Submission:

Ambry Genetics
Classification: Uncertain significance for Hereditary cancer-predisposing syndrome. Last evaluated: 2026-08-09. Review status: criteria provided, single submitter. Criteria: Ambry Variant Classification Scheme 2023. Collection method: clinical testing. Allele origin: germline.
Comment: The p.N73D variant (also known as c.217A>G), located in coding exon 1 of the MSH6 gene, results from an A to G substitution at nucleotide position 217. The asparagine at codon 73 is replaced by aspartic acid, an amino acid with highly similar properties. This amino acid position is conserved. In addition, this alteration is predicted to be tolerated by in silico analysis. Based on the available evidence, the clinical significance of this variant remains unclear.

NM_000179.3(MSH6):c.217A>G (p.Asn73Asp)

Gene: MSH6 (mutS homolog 6; plus strand). Cytogenetic location: 2p16.3.
Variant type: single nucleotide variant.
Coding change: c.217A>G on transcript NM_000179.3 (MANE Select); coding-DNA position 217, A replaced by G.
Protein change: p.Asn73Asp; replaces asparagine 73 with aspartic acid.
Molecular consequence: missense variant. On other transcripts: 5 prime UTR variant (7), synonymous variant (1), non-coding transcript variant (5), intron variant (5).
Genome position (GRCh38, 1-based): chr2:47,783,450, A>G. VCF-style: chr2-47783450-A-G. GRCh37 (hg19) VCF-style: chr2-48010589-A-G.
Other names: c.217A>G, p.Asn73Asp (NM_001281492.2, NM_001406795.1, NM_001406796.1 and 9 more transcripts); c.-520A>G (NM_001281493.2, NM_001406811.1); c.-112A>G (NM_001406799.1); c.162A>G, p.Ser54= (NM_001406804.1); c.-712A>G (NM_001406807.1); c.-367A>G (NM_001406812.1); c.-778A>G (NM_001406814.1); c.-323A>G (NM_001406816.1); and 3 more; short protein forms N73D.
Identifiers: ClinVar variation 5024847 (VCV005024847.1).
Genomic context (GRCh38, chr2:47,783,450, plus strand): 5'-GCTGGGCCTGGGCCCAGGCCCTTGGCGCGCTCCGCGTCACCGCCCAAGGCGAAGAACCTC[A>G]ACGGAGGGCTGCGGAGATCGGTAGCGCCTGCTGCCCCCACCAGGTAGCGGGGTGGGGGTG-3'
Protein context (NP_000170.1, residues 63-83): SASPPKAKNL[Asn73Asp]GGLRRSVAPA